The following is an entry in ClinVar:

ClinVar aggregate classification (germline): Likely benign. Review status: criteria provided, multiple submitters, no conflicts (2 of 4 stars). 4 submissions from 4 submitters: Likely benign (4). Last evaluated 2025-10-09.

Allele frequency attached by ClinVar (database versions not stated): gnomAD 0.00026 and 0.00027; ESP Exome Variant Server 0.00038; gnomAD exomes 0.00042; ExAC 0.00054; TOPMed 0.00025.
gnomAD v4.1: 544 of 1,614,056 alleles (0.034%); highest among the groups gnomAD compares: Non-Finnish European, 0.041%; 3 homozygotes.

Submissions (4):

Labcorp Genetics (formerly Invitae), Labcorp
Classification: Likely benign. Last evaluated: 2025-10-09. Review status: criteria provided, single submitter. Criteria: Invitae Variant Classification Sherloc (09022015). Collection method: clinical testing. Allele origin: germline.

Blueprint Genetics
Classification: Likely benign. Last evaluated: 2024-10-11. Review status: criteria provided, single submitter. Criteria: ACMG Guidelines, 2015. Collection method: clinical testing. Allele origin: germline.

GeneDx
Classification: Likely benign. Last evaluated: 2021-06-17. Review status: criteria provided, single submitter. Criteria: GeneDx Variant Classification Process June 2021. Collection method: clinical testing. Allele origin: germline. Affected: yes.

Laboratory for Molecular Medicine, Mass General Brigham Personalized Medicine
Classification: Likely benign. Last evaluated: 2012-04-30. Review status: criteria provided, single submitter. Criteria: LMM Criteria. Collection method: clinical testing. Allele origin: germline. Observed: 1 variant allele.
Comment: Asn166Asn in Exon 06 of SLC26A5: This variant is not expected to have clinical s ignificance because it does not alter an amino acid residue, is not located with in the splice consensus sequence, and has been identified in 3/7020 European Ame rican chromosomes from a broad population by the NHLBI Exome Sequencing Project (dbSNP rs151200437).

NM_198999.3(SLC26A5):c.498T>C (p.Asn166=)

Gene: SLC26A5 (solute carrier family 26 member 5; minus strand). Cytogenetic location: 7q22.1.
Variant type: single nucleotide variant.
Coding change: c.498T>C on transcript NM_198999.3 (MANE Select); coding-DNA position 498, T replaced by C.
Protein change: p.Asn166=; no amino-acid change (asparagine 166 retained).
Molecular consequence: synonymous variant. On other transcripts: non-coding transcript variant (5).
Genome position (GRCh38, 1-based): chr7:103,411,492, A>G on the plus strand (T>C on the coding strand, the complement: SLC26A5 is on the minus strand). VCF-style: chr7-103411492-A-G. GRCh37 (hg19) VCF-style: chr7-103051939-A-G.
Other names: c.498T>C, p.Asn166= (NM_001167962.2, NM_001321787.2, NM_206883.3 and 2 more transcripts).
Identifiers: ClinVar variation 48340 (VCV000048340.14), dbSNP rs151200437, ClinGen allele CA143209.